The following is an entry in ClinVar:

NM_015072.5(TTLL5):c.1873T>G (p.Leu625Val)

Gene: TTLL5 (tubulin tyrosine ligase like 5; plus strand). Cytogenetic location: 14q24.3.
Variant type: single nucleotide variant.
Coding change: c.1873T>G on transcript NM_015072.5 (MANE Select); coding-DNA position 1873, T replaced by G.
Protein change: p.Leu625Val; replaces leucine 625 with valine.
Molecular consequence: missense variant.
Genome position (GRCh38, 1-based): chr14:75,766,226, T>G. VCF-style: chr14-75766226-T-G. GRCh37 (hg19) VCF-style: chr14-76232569-T-G.
Other names: short protein forms L625V.
Identifiers: ClinVar variation 2758054 (VCV002758054.3), dbSNP rs2503242380, ClinGen allele CA390467421.

ClinVar aggregate classification (germline): Uncertain significance (1 of 4 stars; one submission).

Allele frequency attached by ClinVar (database versions not stated): gnomAD exomes below 0.00001.
gnomAD v4.1: 3 of 1,613,978 alleles (0.00019%); highest among the groups gnomAD compares: African/African-American, 0.004%; no homozygotes.

Submission:

Labcorp Genetics (formerly Invitae), Labcorp
Classification: Uncertain significance. Last evaluated: 2023-11-10. Review status: criteria provided, single submitter. Criteria: Invitae Variant Classification Sherloc (09022015). Collection method: clinical testing. Allele origin: germline.
Comment: This sequence change replaces leucine, which is neutral and non-polar, with valine, which is neutral and non-polar, at codon 625 of the TTLL5 protein (p.Leu625Val). This variant is not present in population databases (gnomAD no frequency). This variant has not been reported in the literature in individuals affected with TTLL5-related conditions. Advanced modeling of protein sequence and biophysical properties (such as structural, functional, and spatial information, amino acid conservation, physicochemical variation, residue mobility, and thermodynamic stability) performed at Invitae indicates that this missense variant is not expected to disrupt TTLL5 protein function with a negative predictive value of 80%. In summary, the available evidence is currently insufficient to determine the role of this variant in disease. Therefore, it has been classified as a Variant of Uncertain Significance.